The following is an entry in ClinVar:

ClinVar aggregate classification (germline): Uncertain significance (1 of 4 stars; one submission).

Conditions:
Intellectual developmental disorder, X-linked 1. Also called: Intellectual disability, X-linked 1; Atkin Flaitz Patil Smith syndrome; MENTAL RETARDATION, X-LINKED 18; MENTAL RETARDATION, X-LINKED 78. Identifiers: Orphanet 777, MedGen C2931498, MONDO:0010656, OMIM 309530.

Allele frequency attached by ClinVar (database versions not stated): gnomAD exomes 0.00001; gnomAD 0.00003.
gnomAD v4.1: 13 of 1,208,432 alleles (0.0011%); highest among the groups gnomAD compares: East Asian, 0.003%; no homozygotes.

Submission:

Labcorp Genetics (formerly Invitae), Labcorp
Classification: Uncertain significance for Intellectual developmental disorder, X-linked 1. Last evaluated: 2022-08-09. Review status: criteria provided, single submitter. Criteria: Invitae Variant Classification Sherloc (09022015). Collection method: clinical testing. Allele origin: germline.
Comment: This sequence change replaces arginine, which is basic and polar, with glutamine, which is neutral and polar, at codon 845 of the IQSEC2 protein (p.Arg845Gln). This variant is present in population databases (no rsID available, gnomAD 0.008%), including at least one homozygous and/or hemizygous individual. This variant has not been reported in the literature in individuals affected with IQSEC2-related conditions. ClinVar contains an entry for this variant (Variation ID: 1523130). Algorithms developed to predict the effect of missense changes on protein structure and function are either unavailable or do not agree on the potential impact of this missense change (SIFT: "Tolerated"; PolyPhen-2: "Possibly Damaging"; Align-GVGD: "Class C0"). Algorithms developed to predict the effect of sequence changes on RNA splicing suggest that this variant may create or strengthen a splice site. In summary, the available evidence is currently insufficient to determine the role of this variant in disease. Therefore, it has been classified as a Variant of Uncertain Significance.

NM_001111125.3(IQSEC2):c.2534G>A (p.Arg845Gln)

Gene: IQSEC2 (IQ motif and Sec7 domain ArfGEF 2; minus strand). Cytogenetic location: Xp11.22.
Variant type: single nucleotide variant.
Coding change: c.2534G>A on transcript NM_001111125.3 (MANE Select); coding-DNA position 2534, G replaced by A.
Protein change: p.Arg845Gln; replaces arginine 845 with glutamine.
Molecular consequence: missense variant.
Genome position (GRCh38, 1-based): chrX:53,248,162, C>T on the plus strand (G>A on the coding strand, the complement: IQSEC2 is on the minus strand). VCF-style: chrX-53248162-C-T. GRCh37 (hg19) VCF-style: chrX-53277344-C-T.
Other names: c.1919G>A, p.Arg640Gln (NM_015075.2); short protein forms R640Q, R845Q.
Identifiers: ClinVar variation 1523130 (VCV001523130.8), dbSNP rs1556862441, ClinGen allele CA413157024.